The following is an entry in ClinVar:

NM_001136271.3(NKX2-6):c.632C>G (p.Pro211Arg)

Gene: NKX2-6 (NK2 homeobox 6; minus strand). Cytogenetic location: 8p21.2.
Variant type: single nucleotide variant.
Coding change: c.632C>G on transcript NM_001136271.3 (MANE Select); coding-DNA position 632, C replaced by G.
Protein change: p.Pro211Arg; replaces proline 211 with arginine.
Molecular consequence: missense variant.
Genome position (GRCh38, 1-based): chr8:23,702,725, G>C on the plus strand (C>G on the coding strand, the complement: NKX2-6 is on the minus strand). VCF-style: chr8-23702725-G-C. GRCh37 (hg19) VCF-style: chr8-23560238-G-C.
Other names: short protein forms P211R.
Identifiers: ClinVar variation 2721580 (VCV002721580.3), dbSNP rs879460402, ClinGen allele CA174010904.

ClinVar aggregate classification (germline): Uncertain significance (1 of 4 stars; one submission).

Conditions:
Conotruncal heart malformations (CTHM). Also called: Conotruncal heart malformations, variable. Identifiers: Orphanet 2445, Orphanet 3384, Orphanet 3426, MedGen C1857586, MONDO:0016581, OMIM 217095.

Allele frequency attached by ClinVar (database versions not stated): gnomAD 0.00001; gnomAD exomes 0.00001; TOPMed 0.00002.

Submission:

Labcorp Genetics (formerly Invitae), Labcorp
Classification: Uncertain significance for Conotruncal heart malformations. Last evaluated: 2023-11-20. Review status: criteria provided, single submitter. Criteria: Invitae Variant Classification Sherloc (09022015). Collection method: clinical testing. Allele origin: germline.
Comment: This sequence change replaces proline, which is neutral and non-polar, with arginine, which is basic and polar, at codon 211 of the NKX2-6 protein (p.Pro211Arg). This variant is present in population databases (no rsID available, gnomAD 0.004%). This variant has not been reported in the literature in individuals affected with NKX2-6-related conditions. Advanced modeling of protein sequence and biophysical properties (such as structural, functional, and spatial information, amino acid conservation, physicochemical variation, residue mobility, and thermodynamic stability) has been performed at Invitae for this missense variant, however the output from this modeling did not meet the statistical confidence thresholds required to predict the impact of this variant on NKX2-6 protein function. In summary, the available evidence is currently insufficient to determine the role of this variant in disease. Therefore, it has been classified as a Variant of Uncertain Significance.